The following is an entry in ClinVar:

NM_000135.4(FANCA):c.1780C>A (p.Pro594Thr)

Gene: FANCA (FA complementation group A; minus strand). Cytogenetic location: 16q24.3.
Variant type: single nucleotide variant.
Coding change: c.1780C>A on transcript NM_000135.4 (MANE Select); coding-DNA position 1780, C replaced by A.
Protein change: p.Pro594Thr; replaces proline 594 with threonine.
Molecular consequence: missense variant.
Genome position (GRCh38, 1-based): chr16:89,778,847, G>T on the plus strand (C>A on the coding strand, the complement: FANCA is on the minus strand). VCF-style: chr16-89778847-G-T. GRCh37 (hg19) VCF-style: chr16-89845255-G-T.
Other names: c.1780C>A, p.Pro594Thr (NM_001286167.3); short protein forms P594T.
Identifiers: ClinVar variation 4870898 (VCV004870898.1).

ClinVar aggregate classification (germline): Uncertain significance (1 of 4 stars; one submission).

Conditions:
Inborn genetic diseases. Identifiers: MedGen C0950123, MeSH D030342.

gnomAD v4.1: 1 of 1,614,044 alleles (0.000062%); highest among the groups gnomAD compares: Non-Finnish European, 0.000085%; no homozygotes.

Submission:

Ambry Genetics
Classification: Uncertain significance for Inborn genetic diseases. Last evaluated: 2026-06-02. Review status: criteria provided, single submitter. Criteria: Ambry Variant Classification Scheme 2023. Collection method: clinical testing. Allele origin: germline.
Comment: The p.P594T variant (also known as c.1780C>A), located in coding exon 20 of the FANCA gene, results from a C to A substitution at nucleotide position 1780. The proline at codon 594 is replaced by threonine, an amino acid with highly similar properties. This amino acid position is conserved. In addition, this alteration is predicted to be deleterious by in silico analysis. Based on the available evidence, the clinical significance of this variant remains unclear.